The following is an entry in ClinVar:

NM_024656.4(COLGALT1):c.372-6C>T

Gene: COLGALT1 (collagen beta(1-O)galactosyltransferase 1; plus strand). Cytogenetic location: 19p13.11.
Variant type: single nucleotide variant.
Coding change: c.372-6C>T on transcript NM_024656.4 (MANE Select); 6 bases into the intron before coding-DNA position 372, C replaced by T.
Molecular consequence: intron variant.
Genome position (GRCh38, 1-based): chr19:17,560,342, C>T. VCF-style: chr19-17560342-C-T. GRCh37 (hg19) VCF-style: chr19-17671151-C-T.
Identifiers: ClinVar variation 2299128 (VCV002299128.2), dbSNP rs374042241, ClinGen allele CA9296882.

ClinVar aggregate classification (germline): Uncertain significance (1 of 4 stars; one submission).

Conditions:
Inborn genetic diseases. Identifiers: MedGen C0950123, MeSH D030342.

Allele frequency attached by ClinVar (database versions not stated): ExAC 0.00001.
gnomAD v4.1: 8 of 1,612,628 alleles (0.0005%); highest among the groups gnomAD compares: South Asian, 0.0011%; no homozygotes.

Submission:

Ambry Genetics
Classification: Uncertain significance for Inborn genetic diseases. Last evaluated: 2022-07-28. Review status: criteria provided, single submitter. Criteria: Ambry Variant Classification Scheme 2023. Collection method: clinical testing. Allele origin: germline.
Comment: The c.372-6C>T intronic alteration consists of a C to T substitution 6 nucleotides before coding exon 3 in the COLGALT1 gene. Based on insufficient or conflicting evidence, the clinical significance of this alteration remains unclear.